The following is an entry in ClinVar:

NM_001754.5(RUNX1):c.166_193dup (p.Ala65fs)

Gene: RUNX1 (RUNX family transcription factor 1; minus strand). Cytogenetic location: 21q22.12.
Variant type: Duplication.
Coding change: c.166_193dup on transcript NM_001754.5 (MANE Select); coding-DNA positions 166 to 193, 28 bases duplicated (TTGCCGCTGGGCGCCCCGGACGCCGGCG).
Protein change: p.Ala65fs; shifts the reading frame from alanine 65.
Molecular consequence: frameshift variant.
Genome position (GRCh38, 1-based): chr21:34,887,001-34,887,028, CGCCGGCGTCCGGGGCGCCCAGCGGCAA duplicated on the plus strand (TTGCCGCTGGGCGCCCCGGACGCCGGCG on the coding strand, the reverse complement: RUNX1 is on the minus strand); duplicating any 28 consecutive bases within chr21:34,887,001-34,887,032 gives the same sequence; the c. name uses the placement nearest the transcript's 3' end. VCF-style (leftmost placement, unchanged base first): chr21-34887000-G-GCGCCGGCGTCCGGGGCGCCCAGCGGCAA. GRCh37 (hg19) VCF-style: chr21-36259297-G-GCGCCGGCGTCCGGGGCGCCCAGCGGCAA.
Other names: NM_001754.5(RUNX1):c.166_193dup; p.Ala65fs; c.85_112dup, p.Ala38fs (NM_001001890.3, NM_001122607.2); short protein forms A65fs, A38fs.
Identifiers: ClinVar variation 571388 (VCV000571388.9), dbSNP rs1569084530, ClinGen allele CA891844470.

ClinVar aggregate classification (germline): Pathogenic. Review status: reviewed by expert panel (3 of 4 stars). 2 submissions from 2 submitters: Pathogenic (1). 1 of the submissions does not count toward it. Last evaluated 2024-03-26.

Conditions:
Hereditary thrombocytopenia and hematologic cancer predisposition syndrome. Identifiers: Orphanet 71290, MedGen CN281654, MONDO:0011071.
Hereditary thrombocytopenia and hematological cancer predisposition syndrome associated with RUNX1. Also called: Familial Platelet Disorder with Propensity to Acute Myelogenous Leukemia; Familial thrombocytopenia with propensity to acute myelogenous leukemia; PLATELET DISORDER, ASPIRIN-LIKE; RUNX1 Familial Platelet Disorder with Associated Myeloid Malignancies. Identifiers: Orphanet 71290, MedGen C1832388, MeSH C563324, MONDO:0100083, OMIM 601399.

Submissions (2):

ClinGen Myeloid Malignancy Variant Curation Expert Panel
Classification: Pathogenic for Hereditary thrombocytopenia and hematologic cancer predisposition syndrome. Last evaluated: 2024-03-26. Review status: reviewed by expert panel. Criteria: ClinGen MyeloMalig ACMG Specifications v2. Collection method: curation. Allele origin: germline. Inheritance: Autosomal dominant inheritance.
Comment: The c.166_193dup (p.Ala65Valfs*82) variant is a 28-bp duplication causing a frameshift that is predicted to introduce a premature stop codon and expected to result in nonsense-mediated mRNA decay (PVS1). This variant is completely absent from all population databases (gnomAD v2.1.1 and v3) with at least 20x coverage for RUNX1 (PM2_supporting). This variant is a nonsense/frameshift variants that is downstream of c.98 (PM5_Supporting). The variant has not been reported in FPD/AML patients in the literature to the best of our knowledge; however one patient meeting RUNX1-phenotype criteria is reported from a clinical laboratory (PS4_Supporting; SCV000820350.2). In summary, this variant meets criteria to be classified as pathogenic. ACMG/AMP criteria applied, as specified by the Myeloid Malignancy Variant Curation Expert Panel for RUNX1: PVS1, PM2_supporting, PS4_Supporting, PM5_supporting.

Labcorp Genetics (formerly Invitae), Labcorp
Classification: Pathogenic for Hereditary thrombocytopenia and hematological cancer predisposition syndrome associated with RUNX1. Last evaluated: 2018-10-17. Review status: criteria provided, single submitter. Criteria: Invitae Variant Classification Sherloc (09022015). Collection method: clinical testing. Allele origin: germline. Not counted in ClinVar's aggregate classification.
Comment: For these reasons, this variant has been classified as Pathogenic. Loss-of-function variants in RUNX1 are known to be pathogenic (PMID: 18723428, 24100448). This variant has not been reported in the literature in individuals with RUNX1-related disease. This variant is not present in population databases (ExAC no frequency). This sequence change creates a premature translational stop signal (p.Ala65Valfs*82) in the RUNX1 gene. It is expected to result in an absent or disrupted protein product.

Literature cited by the submitters: PubMed 18723428 (cited by Labcorp Genetics (formerly Invitae), Labcorp); PubMed 24100448 (cited by Labcorp Genetics (formerly Invitae), Labcorp).